The following is an entry in ClinVar:

NM_001393769.1(MED12L):c.113C>T (p.Ala38Val)

Gene: MED12L (mediator complex subunit 12L; plus strand). Cytogenetic location: 3q25.1.
Variant type: single nucleotide variant.
Coding change: c.113C>T on transcript NM_001393769.1 (MANE Select); coding-DNA position 113, C replaced by T.
Protein change: p.Ala38Val; replaces alanine 38 with valine.
Molecular consequence: missense variant.
Genome position (GRCh38, 1-based): chr3:151,116,351, C>T. VCF-style: chr3-151116351-C-T. GRCh37 (hg19) VCF-style: chr3-150834138-C-T.
Other names: c.113C>T, p.Ala38Val (NM_053002.6); short protein forms A38V.
Identifiers: ClinVar variation 2576829 (VCV002576829.1), dbSNP rs2529692433, ClinGen allele CA354951694.

ClinVar aggregate classification (germline): Uncertain significance (1 of 4 stars; one submission).

Submission:

GeneDx
Classification: Uncertain significance. Last evaluated: 2023-01-12. Review status: criteria provided, single submitter. Criteria: GeneDx Variant Classification Process June 2021. Collection method: clinical testing. Allele origin: germline. Affected: yes.
Comment: Not observed at significant frequency in large population cohorts (gnomAD); In silico analysis supports that this missense variant does not alter protein structure/function; Has not been previously published as pathogenic or benign to our knowledge